The following is an entry in ClinVar:

ClinVar aggregate classification (germline): Uncertain significance (1 of 4 stars; one submission).

Conditions:
Hereditary spastic paraplegia 54. Also called: Spastic paraplegia 54, autosomal recessive. Identifiers: Orphanet 320380, MedGen C3539495, MONDO:0014018, OMIM 615033.

Submission:

Labcorp Genetics (formerly Invitae), Labcorp
Classification: Uncertain significance for Hereditary spastic paraplegia 54. Last evaluated: 2023-12-07. Review status: criteria provided, single submitter. Criteria: Invitae Variant Classification Sherloc (09022015). Collection method: clinical testing. Allele origin: germline.
Comment: This sequence change replaces threonine, which is neutral and polar, with valine, which is neutral and non-polar, at codon 186 of the DDHD2 protein (p.Thr186Val). This variant is present in population databases (no rsID available, gnomAD 0.005%). This variant has not been reported in the literature in individuals affected with DDHD2-related conditions. ClinVar contains an entry for this variant (Variation ID: 967986). An algorithm developed to predict the effect of missense changes on protein structure and function (PolyPhen-2) suggests that this variant¬†is likely to be tolerated. In summary, the available evidence is currently insufficient to determine the role of this variant in disease. Therefore, it has been classified as a Variant of Uncertain Significance.

NM_015214.3(DDHD2):c.556_557inv (p.Thr186Val)

Gene: DDHD2 (DDHD domain containing 2; plus strand). Cytogenetic location: 8p11.23.
Variant type: Inversion.
Coding change: c.556_557inv on transcript NM_015214.3 (MANE Select).
Protein change: p.Thr186Val; replaces threonine 186 with valine.
Molecular consequence: missense variant. On other transcripts: non-coding transcript variant (2).
Genome position: GRCh38 VCF-style: chr8-38238143-AC-GT. GRCh37 (hg19) VCF-style: chr8-38095661-AC-GT.
Other names: c.556_557inv, p.Thr186Val (NM_001164232.2, NM_001164234.2, NM_001362911.2 and 3 more transcripts); short protein forms T186V.
Identifiers: ClinVar variation 967986 (VCV000967986.5), ClinGen allele CA1139660451.